The following is an entry in ClinVar:

ClinVar aggregate classification (germline): Likely benign (0 of 4 stars; one submission).

Conditions:
ARFGEF3-related disorder. Also called: ARFGEF3-related condition.

Allele frequency attached by ClinVar (database versions not stated): gnomAD exomes 0.00011; gnomAD 0.00018; TOPMed 0.00032; 1000 Genomes Project 30x 0.00094; ExAC 0.00109; 1000 Genomes Project 0.00120.
gnomAD v4.1: 176 of 1,412,340 alleles (0.012%); highest among the groups gnomAD compares: East Asian, 0.42%; 1 homozygote.

Submission:

PreventionGenetics, part of Exact Sciences
Classification: Likely benign for ARFGEF3-related condition. Last evaluated: 2019-08-08. Review status: no assertion criteria provided. Collection method: clinical testing. Allele origin: germline.
Comment: This variant is classified as likely benign based on ACMG/AMP sequence variant interpretation guidelines (Richards et al. 2015 PMID: 25741868, with internal and published modifications).

NM_020340.5(ARFGEF3):c.3060C>T (p.Tyr1020=)

Gene: ARFGEF3 (ARFGEF family member 3; plus strand). Cytogenetic location: 6q23.3.
Variant type: single nucleotide variant.
Coding change: c.3060C>T on transcript NM_020340.5 (MANE Select); coding-DNA position 3060, C replaced by T.
Protein change: p.Tyr1020=; no amino-acid change (tyrosine 1020 retained).
Molecular consequence: synonymous variant.
Genome position (GRCh38, 1-based): chr6:138,291,745, C>T. VCF-style: chr6-138291745-C-T. GRCh37 (hg19) VCF-style: chr6-138612882-C-T.
Identifiers: ClinVar variation 3056230 (VCV003056230.2), dbSNP rs117533399, ClinGen allele CA4021000.
Genomic context (GRCh38, chr6:138,291,745, plus strand): 5'-CGGGGTGAGCTGCAGCGCCTAACAGCTGCTTGTCTGTGCTCTTTCTAGGGTGTGTGAATA[C>T]GTGGGCACCCTGGAGCACAACCACTTCAGCGATGGTGCCTCGCAGCCCCCTCTGACCATC-3'
Protein context (NP_065073.3, residues 1010-1030): CWPHVFRVCE[Tyr1020=]VGTLEHNHFS